The following is an entry in ClinVar:

NM_000059.4(BRCA2):c.9908G>T (p.Ser3303Ile)

Gene: BRCA2 (BRCA2 DNA repair associated; plus strand). Cytogenetic location: 13q13.1.
Variant type: single nucleotide variant.
Coding change: c.9908G>T on transcript NM_000059.4 (MANE Select); coding-DNA position 9908, G replaced by T.
Protein change: p.Ser3303Ile; replaces serine 3303 with isoleucine.
Molecular consequence: missense variant. On other transcripts: non-coding transcript variant (1).
Genome position (GRCh38, 1-based): chr13:32,398,421, G>T. VCF-style: chr13-32398421-G-T. GRCh37 (hg19) VCF-style: chr13-32972558-G-T.
Other names: c.9812G>T, p.Ser3271Ile (NM_001406719.1); c.9857G>T, p.Ser3286Ile (NM_001406720.1); c.4976G>T, p.Ser1659Ile (NM_001406721.1); c.3491G>T, p.Ser1164Ile (NM_001406722.1); c.9908G>T, p.Ser3303Ile (NM_001432077.1); short protein forms S3303I, S1164I, S1659I, S3271I, S3286I.
Identifiers: ClinVar variation 5033287 (VCV005033287.1).

ClinVar aggregate classification (germline): Uncertain significance (1 of 4 stars; one submission).

Conditions:
Hereditary cancer-predisposing syndrome. Also called: Neoplastic Syndromes, Hereditary; Tumor predisposition; Hereditary neoplastic syndrome; Hereditary Cancer Syndrome. Identifiers: Orphanet 140162, MedGen C0027672, MeSH D009386, MONDO:0015356.

Submission:

Ambry Genetics
Classification: Uncertain significance for Hereditary cancer-predisposing syndrome. Last evaluated: 2026-07-06. Review status: criteria provided, single submitter. Criteria: Ambry Variant Classification Scheme 2023. Collection method: clinical testing. Allele origin: germline.
Comment: The p.S3303I variant (also known as c.9908G>T), located in coding exon 26 of the BRCA2 gene, results from a G to T substitution at nucleotide position 9908. The serine at codon 3303 is replaced by isoleucine, an amino acid with dissimilar properties. This amino acid position is conserved. In addition, this alteration is predicted to be tolerated by in silico analysis. Based on the available evidence, the clinical significance of this variant remains unclear.